The following is an entry in ClinVar:

ClinVar aggregate classification (germline): Uncertain significance (1 of 4 stars; one submission).

gnomAD v4.1: 9 of 1,531,732 alleles (0.00059%); highest among the groups gnomAD compares: Admixed American, 0.0068%; no homozygotes.

Submission:

Labcorp Genetics (formerly Invitae), Labcorp
Classification: Uncertain significance. Last evaluated: 2024-01-21. Review status: criteria provided, single submitter. Criteria: Invitae Variant Classification Sherloc (09022015). Collection method: clinical testing. Allele origin: germline.
Comment: This sequence change replaces serine, which is neutral and polar, with leucine, which is neutral and non-polar, at codon 118 of the PMPCA protein (p.Ser118Leu). This variant is present in population databases (rs752932999, gnomAD 0.009%). This variant has not been reported in the literature in individuals affected with PMPCA-related conditions. An algorithm developed to predict the effect of missense changes on protein structure and function (PolyPhen-2) suggests that this variant is likely to be tolerated. In summary, the available evidence is currently insufficient to determine the role of this variant in disease. Therefore, it has been classified as a Variant of Uncertain Significance.

NM_015160.3(PMPCA):c.353C>T (p.Ser118Leu)

Gene: PMPCA (peptidase, mitochondrial processing subunit alpha; plus strand). Cytogenetic location: 9q34.3.
Variant type: single nucleotide variant.
Coding change: c.353C>T on transcript NM_015160.3 (MANE Select); coding-DNA position 353, C replaced by T.
Protein change: p.Ser118Leu; replaces serine 118 with leucine.
Molecular consequence: missense variant.
Genome position (GRCh38, 1-based): chr9:136,412,568, C>T. VCF-style: chr9-136412568-C-T. GRCh37 (hg19) VCF-style: chr9-139307020-C-T.
Other names: c.55C>T, p.Arg19Cys (NM_001282944.2, NM_001282946.2); short protein forms R19C, S118L.
Identifiers: ClinVar variation 3614851 (VCV003614851.2).